The following is an entry in ClinVar:

NM_153252.5(BRWD3):c.2441C>T (p.Ser814Leu)

Gene: BRWD3 (bromodomain and WD repeat domain containing 3; minus strand). Cytogenetic location: Xq21.1.
Variant type: single nucleotide variant.
Coding change: c.2441C>T on transcript NM_153252.5 (MANE Select); coding-DNA position 2441, C replaced by T.
Protein change: p.Ser814Leu; replaces serine 814 with leucine.
Molecular consequence: missense variant.
Genome position (GRCh38, 1-based): chrX:80,709,462, G>A on the plus strand (C>T on the coding strand, the complement: BRWD3 is on the minus strand). VCF-style: chrX-80709462-G-A. GRCh37 (hg19) VCF-style: chrX-79964961-G-A.
Other names: short protein forms S814L.
Identifiers: ClinVar variation 3639785 (VCV003639785.2).

ClinVar aggregate classification (germline): Uncertain significance (1 of 4 stars; one submission).

Submission:

Labcorp Genetics (formerly Invitae), Labcorp
Classification: Uncertain significance. Last evaluated: 2024-05-06. Review status: criteria provided, single submitter. Criteria: Invitae Variant Classification Sherloc (09022015). Collection method: clinical testing. Allele origin: germline.
Comment: This sequence change replaces serine, which is neutral and polar, with leucine, which is neutral and non-polar, at codon 814 of the BRWD3 protein (p.Ser814Leu). This variant is not present in population databases (gnomAD no frequency). This variant has not been reported in the literature in individuals affected with BRWD3-related conditions. An algorithm developed to predict the effect of missense changes on protein structure and function (PolyPhen-2) suggests that this variant is likely to be tolerated. In summary, the available evidence is currently insufficient to determine the role of this variant in disease. Therefore, it has been classified as a Variant of Uncertain Significance.